The following is an entry in ClinVar:

ClinVar aggregate classification (germline): Pathogenic/Likely pathogenic. Review status: criteria provided, multiple submitters, no conflicts (2 of 4 stars). 3 submissions from 3 submitters: Pathogenic (2); Likely pathogenic (1). Last evaluated 2023-06-06.

Conditions:
Familial cancer of breast. Also called: Hereditary breast cancer; hereditary breast carcinoma; BREAST CANCER, FAMILIAL. Identifiers: Orphanet 227535, MedGen C0346153, MONDO:0016419, OMIM 114480. Disease mechanism: loss of function.
Fanconi anemia complementation group J. Also called: BRIP1-Related Fanconi Anemia. Identifiers: Orphanet 84, MedGen C1836860, MONDO:0012187, OMIM 609054.

Submissions (3):

Myriad Genetics, Inc.
Classification: Pathogenic for Familial cancer of breast. Last evaluated: 2023-06-06. Review status: criteria provided, single submitter. Criteria: Myriad Autosomal Dominant, Autosomal Recessive and X-Linked Classification Criteria (2023). Collection method: clinical testing. Allele origin: unknown.
Comment: This variant is considered pathogenic. This variant creates a termination codon and is predicted to result in premature protein truncation.

Institute for Clinical Genetics, University Hospital TU Dresden, University Hospital TU Dresden
Classification: Likely pathogenic. Last evaluated: 2021-11-03. Review status: criteria provided, single submitter. Criteria: ACMG Guidelines, 2015. Collection method: clinical testing. Allele origin: germline.

Labcorp Genetics (formerly Invitae), Labcorp
Classification: Pathogenic for Familial cancer of breast; Fanconi anemia complementation group J. Last evaluated: 2021-10-28. Review status: criteria provided, single submitter. Criteria: Invitae Variant Classification Sherloc (09022015). Collection method: clinical testing. Allele origin: germline.
Comment: For these reasons, this variant has been classified as Pathogenic. This variant has not been reported in the literature in individuals affected with BRIP1-related conditions. This variant is not present in population databases (gnomAD no frequency). This sequence change creates a premature translational stop signal (p.Gln728*) in the BRIP1 gene. It is expected to result in an absent or disrupted protein product. Loss-of-function variants in BRIP1 are known to be pathogenic (PMID: 16116423, 17033622, 21964575).

Literature cited by the submitters: PubMed 16116423 (cited by Labcorp Genetics (formerly Invitae), Labcorp); PubMed 17033622 (cited by Labcorp Genetics (formerly Invitae), Labcorp); PubMed 21964575 (cited by Labcorp Genetics (formerly Invitae), Labcorp).

NM_032043.3(BRIP1):c.2182C>T (p.Gln728Ter)

Gene: BRIP1 (BRCA1 interacting DNA helicase 1; minus strand). Cytogenetic location: 17q23.2.
Variant type: single nucleotide variant.
Coding change: c.2182C>T on transcript NM_032043.3 (MANE Select); coding-DNA position 2182, C replaced by T.
Protein change: p.Gln728Ter; replaces glutamine 728 with a stop codon.
Molecular consequence: nonsense.
Genome position (GRCh38, 1-based): chr17:61,744,507, G>A on the plus strand (C>T on the coding strand, the complement: BRIP1 is on the minus strand). VCF-style: chr17-61744507-G-A. GRCh37 (hg19) VCF-style: chr17-59821868-G-A.
Other names: short protein forms Q728*.
Identifiers: ClinVar variation 1319606 (VCV001319606.10), dbSNP rs1296238058, ClinGen allele CA400483073.
Genomic context (GRCh38, chr17:61,744,507, plus strand): 5'-ATTTGATTGCGTCATAGTACACCTGCAGTAATTCATCAAAATTTGTTTTTTCTCCTCCCT[G>A]TGGTTCTACAATGACTGTCTTCACCAACTCCAGATTATGCCATAAACCAGTAGAGAGCCA-3'